The following is an entry in ClinVar:

ClinVar aggregate classification (germline): Likely benign (0 of 4 stars; one submission).

Conditions:
CLDN1-related disorder. Also called: CLDN1-related condition.

Allele frequency attached by ClinVar (database versions not stated): TOPMed below 0.00001.
gnomAD v4.1: 1 of 1,614,206 alleles (0.000062%); highest among the groups gnomAD compares: Admixed American, 0.0017%; no homozygotes.

Submission:

PreventionGenetics, part of Exact Sciences
Classification: Likely benign for CLDN1-related condition. Last evaluated: 2021-03-19. Review status: no assertion criteria provided. Collection method: clinical testing. Allele origin: germline.
Comment: This variant is classified as likely benign based on ACMG/AMP sequence variant interpretation guidelines (Richards et al. 2015 PMID: 25741868, with internal and published modifications).

NM_021101.5(CLDN1):c.105T>C (p.Tyr35=)

Genes: CLDN1 (claudin 1; minus strand), CLDN16 (claudin 16; plus strand). Cytogenetic location: 3q28.
Variant type: single nucleotide variant.
Coding change: c.105T>C on transcript NM_021101.5 (MANE Select); coding-DNA position 105, T replaced by C.
Protein change: p.Tyr35=; no amino-acid change (tyrosine 35 retained).
Molecular consequence: synonymous variant. On other transcripts: intron variant (2).
Genome position (GRCh38, 1-based): chr3:190,322,102, A>G on the plus strand (T>C on the coding strand, the complement: CLDN1 is on the minus strand). VCF-style: chr3-190322102-A-G. GRCh37 (hg19) VCF-style: chr3-190039891-A-G.
Other names: c.-279+7043A>G (NM_001378492.1); c.-279+31511A>G (NM_001378493.1).
Identifiers: ClinVar variation 3030209 (VCV003030209.2), dbSNP rs1406310131, ClinGen allele CA437417631.